The following is an entry in ClinVar:

NM_000631.5(NCF4):c.759-98A>T

Gene: NCF4 (neutrophil cytosolic factor 4; plus strand). Cytogenetic location: 22q12.3.
Variant type: single nucleotide variant.
Coding change: c.759-98A>T on transcript NM_000631.5 (MANE Select); 98 bases into the intron before coding-DNA position 759, A replaced by T.
Molecular consequence: intron variant. On other transcripts: missense variant (1).
Genome position (GRCh38, 1-based): chr22:36,875,931, A>T. VCF-style: chr22-36875931-A-T. GRCh37 (hg19) VCF-style: chr22-37271973-A-T.
Other names: c.906A>T, p.Gln302His (NM_013416.4); short protein forms Q302H.
Identifiers: ClinVar variation 1468495 (VCV001468495.8), dbSNP rs2145727217, ClinGen allele CA411389871.

ClinVar aggregate classification (germline): Uncertain significance (1 of 4 stars; one submission).

Conditions:
Granulomatous disease, chronic, autosomal recessive, cytochrome b-positive, type 3. Also called: GRANULOMATOUS DISEASE, CHRONIC, DUE TO NCF4 DEFICIENCY; Granulomatous disease, chronic, autosomal recessive, cytochrome b-positive, type III; GRANULOMATOUS DISEASE, CHRONIC, AUTOSOMAL RECESSIVE, 3; CGD, AUTOSOMAL RECESSIVE CYTOCHROME b-POSITIVE, TYPE III. Identifiers: Orphanet 379, MedGen C3151409, MONDO:0013507, OMIM 613960.

Submission:

Labcorp Genetics (formerly Invitae), Labcorp
Classification: Uncertain significance for Granulomatous disease, chronic, autosomal recessive, cytochrome b-positive, type 3. Last evaluated: 2020-12-17. Review status: criteria provided, single submitter. Criteria: Invitae Variant Classification Sherloc (09022015). Collection method: clinical testing. Allele origin: germline.
Comment: In summary, the available evidence is currently insufficient to determine the role of this variant in disease. Therefore, it has been classified as a Variant of Uncertain Significance. Algorithms developed to predict the effect of missense changes on protein structure and function are either unavailable or do not agree on the potential impact of this missense change (SIFT: "Deleterious"; PolyPhen-2: "Benign"; Align-GVGD: "Class C0"). This variant has not been reported in the literature in individuals with NCF4-related conditions. This variant is not present in population databases (ExAC no frequency). This sequence change replaces glutamine with histidine at codon 302 of the NCF4 protein (p.Gln302His). The glutamine residue is moderately conserved and there is a small physicochemical difference between glutamine and histidine.